The following is an entry in ClinVar:

NM_000535.7(PMS2):c.-13G>C

Gene: PMS2 (PMS1 homolog 2, mismatch repair system component; minus strand). Cytogenetic location: 7p22.1.
Variant type: single nucleotide variant.
Coding change: c.-13G>C on transcript NM_000535.7 (MANE Select); 13 bases upstream of the start codon, G replaced by C.
Molecular consequence: 5 prime UTR variant. On other transcripts: non-coding transcript variant (1).
Genome position (GRCh38, 1-based): chr7:6,009,032, C>G on the plus strand (G>C on the coding strand, the complement: PMS2 is on the minus strand). VCF-style: chr7-6009032-C-G. GRCh37 (hg19) VCF-style: chr7-6048663-C-G.
Other names: c.-413G>C (NM_001322003.2, NM_001322013.2); c.-278G>C (NM_001322004.2, NM_001322010.2); c.-608G>C (NM_001322005.2); c.-13G>C (NM_001322006.2, NM_001322014.2); c.-228G>C (NM_001322007.2); c.-88G>C (NM_001322008.2); c.-603G>C (NM_001322009.2); c.-897G>C (NM_001322011.2); and 2 more.
Identifiers: ClinVar variation 434020 (VCV000434020.3), dbSNP rs747488315, ClinGen allele CA043379.
Genomic context (GRCh38, chr7:6,009,032, plus strand): 5'-CCGGAAGACTGCGAGCCCCGCTCACCTCGAGCTCTCAGCTCGCTCCATGGATGCAACACC[C>G]GATCCGCCTCGGGGACTGGGAAAGTTCCCTCCAGGGCTCCCACAGGCGCTCCGCCTCCTG-3'

ClinVar aggregate classification (germline): Uncertain significance. Review status: criteria provided, single submitter (1 of 4 stars). 2 submissions from 2 submitters: Uncertain significance (1). 1 of the submissions does not count toward it. Last evaluated 2023-12-13.

Conditions:
Lynch syndrome. Identifiers: Orphanet 144, MedGen C4552100, MONDO:0005835. Disease mechanism: loss of function.
Endometrial carcinoma. Also called: Endometrial carcinoma, somatic. Identifiers: MedGen C0476089, MONDO:0002447, OMIM 608089, HP:0012114.

Allele frequency attached by ClinVar (database versions not stated): gnomAD exomes 0.00001; ExAC 0.00003.

Submissions (2):

All of Us Research Program, National Institutes of Health
Classification: Uncertain significance for Lynch syndrome. Last evaluated: 2023-12-13. Review status: criteria provided, single submitter. Criteria: ACMG Guidelines, 2015. Collection method: clinical testing. Allele origin: germline. Inheritance: Autosomal dominant inheritance. Observed: 1 variant allele, 1 heterozygote.
Comment: This variant causes a G to C nucleotide substitution at the -13 position in the 5' untranslated region of the PMS2 gene. To our knowledge, functional studies have not been reported for this variant. Splice site prediction tools suggest that this variant may not impact RNA splicing. This variant has not been reported in individuals affected with PMS2-related disorders in the literature. This variant has been identified in 3/249854 chromosomes in the general population by the Genome Aggregation Database (gnomAD). The available evidence is insufficient to determine the role of this variant in disease conclusively. Therefore, this variant is classified as a Variant of Uncertain Significance.

This study involves interpretation of variants in research participants for the purpose of population health screening. Participant phenotype was not available at the time of variant classification. Additional details can be found in publication PMID: 35346344, PMCID: PMC8962531

Department of Pathology and Laboratory Medicine, Sinai Health System
Classification: Uncertain significance for Endometrial carcinoma. Review status: no assertion criteria provided. Collection method: clinical testing. Allele origin: unknown. Affected: yes. Study: The Canadian Open Genetics Repository (COGR). Not counted in ClinVar's aggregate classification.
Comment: The p.? (c.-13G>C) variant in exon 1 of the PMS2 gene has not been reported in the literature nor previously identified by our laboratory. This variant did not show up in the databases (dbSNP, NHLBI Exome sequencing project (exome variant server), HGMD, LOVD, COSMIC, UMD, ClinVar, or BIC) and it is unknown if it may or may not be causative of the disorder. It is unlikely that this will cause a missense mutation as it occurs outside of the translated sequence. This residue has not been seen in mammals and computational analyses (PolyPhen2, SIFT, AlignGVGD) and it is unknown if this suggests a high likelihood of impact to the protein. However, this information is not predictive enough to rule out pathogenicity. In summary, the clinical significance of this variant cannot be determined with certainty at this time; however based upon the arguments described above, we find this variant to be a VARIANT OF UNKNOWN SIGNIFICANCE.